The following is an entry in ClinVar:

NM_199242.3(UNC13D):c.118-308C>T

Gene: UNC13D (unc-13 homolog D; minus strand). Cytogenetic location: 17q25.1.
Variant type: single nucleotide variant.
Coding change: c.118-308C>T on transcript NM_199242.3 (MANE Select); 308 bases into the intron before coding-DNA position 118, C replaced by T.
Molecular consequence: intron variant.
Genome position (GRCh38, 1-based): chr17:75,843,827, G>A on the plus strand (C>T on the coding strand, the complement: UNC13D is on the minus strand). VCF-style: chr17-75843827-G-A. GRCh37 (hg19) VCF-style: chr17-73839908-G-A.
Identifiers: ClinVar variation 533095 (VCV000533095.30), dbSNP rs959968589, ClinGen allele CA294090507.

ClinVar aggregate classification (germline): Pathogenic/Likely pathogenic. Review status: criteria provided, multiple submitters, no conflicts (2 of 4 stars). 12 submissions from 12 submitters: Pathogenic (9); Likely pathogenic (2). 1 of the submissions does not count toward it. Last evaluated 2026-08-06.

Conditions:
Familial hemophagocytic lymphohistiocytosis (FHL). Also called: Hereditary hemophagocytic lymphohistiocytosis; Familial erythrophagocytic lymphohistiocytosis; Familial histiocytic reticulosis. Identifiers: Orphanet 158038, Orphanet 540, MedGen C0272199, MONDO:0015541.
Familial hemophagocytic lymphohistiocytosis 3 (FHL3). Also called: UNC13D-Related Familial Hemophagocytic Lymphohistiocytosis (UNC13D-fHLH). Identifiers: Orphanet 540, MedGen C1837174, MONDO:0012146, OMIM 608898.
UNC13D-related disorder. Also called: UNC13D-related condition.

Allele frequency attached by ClinVar (database versions not stated): TOPMed 0.00013; gnomAD 0.00019 and 0.00021.
gnomAD v4.1: 266 of 1,376,684 alleles (0.019%); highest among the groups gnomAD compares: Non-Finnish European, 0.024%; no homozygotes.

Submissions (12):

GeneDx
Classification: Pathogenic. Last evaluated: 2026-08-06. Review status: criteria provided, single submitter. Criteria: GeneDx Variant Classification Process June 2021. Collection method: clinical testing. Allele origin: germline.
Comment: Published functional studies suggest a damaging effect as this variant disrupts an ELF1 transcription factor binding site and has a negative regulatory effect on transcription (PMID: 24842371); In silico analysis suggests that this variant does not alter splicing; This variant is associated with the following publications: (PMID: 40399689, 24935083, 29596912, 32582217, 25252047, 21931115, 25573973, 29665027, 24470399, 25553300, 32542393, 35773766, 33258288, 33365035, 32378134, 34170459, 23180437, 24842371, 34964741, 37851074, 38747707, 42173047, 42011486, 41915890)

Labcorp Genetics (formerly Invitae), Labcorp
Classification: Pathogenic for Familial hemophagocytic lymphohistiocytosis 3. Last evaluated: 2026-01-24. Review status: criteria provided, single submitter. Criteria: Invitae Variant Classification Sherloc (09022015). Collection method: clinical testing. Allele origin: germline.
Comment: This sequence change falls in intron 1 of the UNC13D gene. It does not directly change the encoded amino acid sequence of the UNC13D protein. This variant is present in population databases (no rsID available, gnomAD 0.05%). This variant has been observed in individuals with familial hemophagocytic lymphohistiocytosis (FHL), and it has been described as a recurrent FHL-causing variant in Northern European and Korean populations (PMID: 21931115, 23180437, 24470399, 24935083, 25553300, 25573973). ClinVar contains an entry for this variant (Variation ID: 533095). Studies have shown that this variant alters UNC13D gene expression (PMID: 21931115, 24842371). Algorithms developed to predict the effect of sequence changes on RNA splicing suggest that this variant is not likely to affect RNA splicing. For these reasons, this variant has been classified as Pathogenic.

Dasa
Classification: Likely pathogenic. Last evaluated: 2025-10-04. Review status: criteria provided, single submitter. Criteria: DASA Assertion Criteria. Collection method: clinical testing. Allele origin: germline.
Comment: NM_199242.3(UNC13D):c.118-308C>T is an intronic variant. This variant has been recurrently observed in individuals with UNC13D-related disorders (PMID: 21931115; PMID: 23180437; PMID: 24470399; PMID: 24935083; PMID: 25553300). Functional evidence supports an impact on the gene or gene product. Also, this variant is rare in population databases. Based on the currently available evidence, this variant is classified as likely pathogenic.

Blueprint Genetics
Classification: Pathogenic for UNC13D-related disorders. Last evaluated: 2024-10-31. Review status: criteria provided, single submitter. Criteria: ACMG Guidelines, 2015. Collection method: clinical testing. Allele origin: germline. Affected: yes. Observed: 5 variant alleles.

3billion
Classification: Pathogenic for Familial hemophagocytic lymphohistiocytosis 3. Last evaluated: 2024-09-10. Review status: criteria provided, single submitter. Criteria: ACMG Guidelines, 2015. Collection method: clinical testing. Allele origin: germline. Affected: yes.
Comment: The variant is observed at an extremely low frequency in the gnomAD v4.0.0 dataset (total allele frequency: 0.019%). Predicted Consequence/Location: Intron variant Functional studies provide moderate evidence of the variant having a damaging effect on the gene or gene product (PMID: 24842371). The variant has been reported to be in trans with a pathogenic variant as either compound heterozygous or homozygous in at least 2 similarly affected unrelated individuals (PMID: 23180437). The variant has been reported at least twice as pathogenic with clinical assertions and evidence for the classification (ClinVar ID: VCV000533095 /PMID: 21931115 /3billion dataset). Therefore, this variant is classified as Pathogenic according to the recommendation of ACMG/AMP guideline.

Revvity Omics, Revvity
Classification: Pathogenic for Familial hemophagocytic lymphohistiocytosis 3. Last evaluated: 2024-08-29. Review status: criteria provided, single submitter. Criteria: ACMG Guidelines, 2015. Collection method: clinical testing. Allele origin: germline.

Fulgent Genetics
Classification: Pathogenic for Familial hemophagocytic lymphohistiocytosis 3. Last evaluated: 2024-06-05. Review status: criteria provided, single submitter. Criteria: ACMG Guidelines, 2015. Collection method: clinical testing. Allele origin: germline.

Diagnostic Genetics, Severance Hospital, Yonsei University College of Medicine
Classification: Likely pathogenic for Familial hemophagocytic lymphohistiocytosis 3. Last evaluated: 2023-01-03. Review status: criteria provided, single submitter. Criteria: ACMG Guidelines, 2015. Collection method: clinical testing. Allele origin: germline. Affected: yes.

Women's Health and Genetics/Laboratory Corporation of America, LabCorp
Classification: Pathogenic for Familial hemophagocytic lymphohistiocytosis. Last evaluated: 2022-05-26. Review status: criteria provided, single submitter. Criteria: LabCorp Variant Classification Summary - May 2015. Collection method: clinical testing. Allele origin: germline.
Comment: Variant summary: UNC13D c.118-308C>T is located at a position not widely known to affect splicing. 4/4 computational tools predict no significant impact on normal splicing. Sequence analysis of patient samples confirmed these predictions, revealing correctly spliced products (Meeths_2011). The variant allele was found at a frequency of 0.00019 in 150968 control chromosomes (gnomAD v3.1.2). This frequency is not higher than expected for a pathogenic variant in UNC13D causing Familial Hemophagocytic Lymphohistiocytosis (0.00019 vs 0.0027), allowing no conclusion about variant significance. c.118-308C>T has been reported in the literature in multiple individuals affected with Familial Hemophagocytic Lymphohistiocytosis (e.g. Meeths_2011, Seo_2013). These data indicate that the variant is very likely to be associated with disease. Experimental evidence demonstrated the variant abolished an ELF1-binding site that is necessary for the recruitment of STAT4 and BRG1, diminishing active histone modifications at the locus and impaired UNC13D transcription in lymphocytes (Meeths_2011, Cichocki_2014). Four ClinVar submitters (evaluation after 2014) cite the variant as pathogenic. Based on the evidence outlined above, the variant was classified as pathogenic.

Genomic Research Center, Shahid Beheshti University of Medical Sciences
Classification: Pathogenic for Familial hemophagocytic lymphohistiocytosis 3. Last evaluated: 2020-05-03. Review status: criteria provided, single submitter. Criteria: ACMG Guidelines, 2015. Collection method: clinical testing. Allele origin: unknown. Affected: yes.

Juno Genomics, Hangzhou Juno Genomics, Inc
Classification: Pathogenic for Familial hemophagocytic lymphohistiocytosis 3. Review status: criteria provided, single submitter. Criteria: ACMG Guidelines, 2015. Collection method: clinical testing. Allele origin: germline.
Comment: Absent from controls (or at extremely low frequency if recessive) in Genome Aggregation Database.;Well-established in vitro or in vivo functional studies supportive of a damaging effect on the gene or gene product.;For recessive disorders, detected in trans with a pathogenic variant.;Patient's phenotype or family history is highly specific for a disease with a single genetic etiology.

GeneReviews
No classification provided. Condition: Familial hemophagocytic lymphohistiocytosis 3. Review status: no classification provided. Collection method: literature only. Allele origin: germline. Not counted in ClinVar's aggregate classification.
Comment: Disruption of lymphocyte-specific enhancer [Meeths et al 2011]. Frequent cause of disease in persons of northern European background [Meeths et al 2011] & Koreans [Seo et al 2013]

Literature cited by the submitters: PubMed 21931115 (cited by 5 submitters); PubMed 23180437 (cited by 5 submitters); PubMed 24470399 (cited by Labcorp Genetics (formerly Invitae), Labcorp and Dasa); PubMed 24935083 (cited by Labcorp Genetics (formerly Invitae), Labcorp and Dasa); PubMed 25553300 (cited by Labcorp Genetics (formerly Invitae), Labcorp and Dasa); PubMed 25573973 (cited by Labcorp Genetics (formerly Invitae), Labcorp and Dasa); PubMed 24842371 (cited by 4 submitters).